The following is an entry in ClinVar:

NM_001128228.3(TPRN):c.1849G>A (p.Glu617Lys)

Gene: TPRN (taperin; minus strand). Cytogenetic location: 9q34.3.
Variant type: single nucleotide variant.
Coding change: c.1849G>A on transcript NM_001128228.3 (MANE Select); coding-DNA position 1849, G replaced by A.
Protein change: p.Glu617Lys; replaces glutamic acid 617 with lysine.
Molecular consequence: missense variant.
Genome position (GRCh38, 1-based): chr9:137,192,568, C>T on the plus strand (G>A on the coding strand, the complement: TPRN is on the minus strand). VCF-style: chr9-137192568-C-T. GRCh37 (hg19) VCF-style: chr9-140087020-C-T.
Other names: short protein forms E617K.
Identifiers: ClinVar variation 2572798 (VCV002572798.1), dbSNP rs1190500447, ClinGen allele CA375770662.

ClinVar aggregate classification (germline): Uncertain significance (1 of 4 stars; one submission).

gnomAD v4.1: 4 of 1,611,990 alleles (0.00025%); highest among the groups gnomAD compares: South Asian, 0.0011%; no homozygotes.

Submission:

GeneDx
Classification: Uncertain significance. Last evaluated: 2023-01-11. Review status: criteria provided, single submitter. Criteria: GeneDx Variant Classification Process June 2021. Collection method: clinical testing. Allele origin: germline. Affected: yes.
Comment: Not observed at significant frequency in large population cohorts (gnomAD); In silico analysis supports that this missense variant does not alter protein structure/function; Has not been previously published as pathogenic or benign to our knowledge